The following is an entry in ClinVar:

NM_015512.5(DNAH1):c.9154G>C (p.Ala3052Pro)

Gene: DNAH1 (dynein axonemal heavy chain 1; plus strand). Cytogenetic location: 3p21.1.
Variant type: single nucleotide variant.
Coding change: c.9154G>C on transcript NM_015512.5 (MANE Select); coding-DNA position 9154, G replaced by C.
Protein change: p.Ala3052Pro; replaces alanine 3052 with proline.
Molecular consequence: missense variant.
Genome position (GRCh38, 1-based): chr3:52,388,317, G>C. VCF-style: chr3-52388317-G-C. GRCh37 (hg19) VCF-style: chr3-52422333-G-C.
Other names: short protein forms A3052P.
Identifiers: ClinVar variation 4792294 (VCV004792294.1).
Genomic context (GRCh38, chr3:52,388,317, plus strand): 5'-GCTTGCACCTCCATCTGCCAGTGGGTGCGCGCCATGCACAAGTACCACTTTGTGGCCAAG[G>C]CCGTGGAGCCCAAGCGGGTGAGGGCTGAGTGGAGCTGGTGGGGGAGGGCTCCCCTCCCGG-3'
Protein context (NP_056327.4, residues 3042-3062): AMHKYHFVAK[Ala3052Pro]VEPKRQALLE

ClinVar aggregate classification (germline): Uncertain significance (1 of 4 stars; one submission).

Conditions:
Spermatogenic failure 18. Identifiers: MedGen C4539783, MONDO:0054615, OMIM 617576.
Ciliary dyskinesia, primary, 37 (CILD37). Also called: CILIARY DYSKINESIA, PRIMARY, 37, WITH OR WITHOUT SITUS INVERSUS. Identifiers: MedGen C4539798, MONDO:0033204, OMIM 617577.

Submission:

Labcorp Genetics (formerly Invitae), Labcorp
Classification: Uncertain significance for Ciliary dyskinesia, primary, 37; Spermatogenic failure 18. Last evaluated: 2025-03-27. Review status: criteria provided, single submitter. Criteria: Invitae Variant Classification Sherloc (09022015). Collection method: clinical testing. Allele origin: germline.
Comment: This sequence change replaces alanine, which is neutral and non-polar, with proline, which is neutral and non-polar, at codon 3052 of the DNAH1 protein (p.Ala3052Pro). This variant is not present in population databases (gnomAD no frequency). This variant has not been reported in the literature in individuals affected with DNAH1-related conditions. Invitae Evidence Modeling of protein sequence and biophysical properties (such as structural, functional, and spatial information, amino acid conservation, physicochemical variation, residue mobility, and thermodynamic stability) indicates that this missense variant is expected to disrupt DNAH1 protein function with a positive predictive value of 80%. In summary, the available evidence is currently insufficient to determine the role of this variant in disease. Therefore, it has been classified as a Variant of Uncertain Significance.